The following is an entry in ClinVar:

ClinVar aggregate classification (germline): Uncertain significance. Review status: criteria provided, single submitter (1 of 4 stars). 2 submissions from 2 submitters: Uncertain significance (1). 1 of the submissions does not count toward it. Last evaluated 2018-05-16.

Conditions:
Inborn genetic diseases. Identifiers: MedGen C0950123, MeSH D030342.

Allele frequency attached by ClinVar (database versions not stated): gnomAD exomes below 0.00001.

Submissions (2):

Ambry Genetics
Classification: Uncertain significance for Inborn genetic diseases. Last evaluated: 2018-05-16. Review status: criteria provided, single submitter. Criteria: Ambry Variant Classification Scheme 2023. Collection method: clinical testing. Allele origin: germline.
Comment: The p.R196H variant (also known as c.587G>A), located in coding exon 6 of the ATP1A2 gene, results from a G to A substitution at nucleotide position 587. The arginine at codon 196 is replaced by histidine, an amino acid with highly similar properties. An alternate amino acid substitution at this position, p.R196C (c.586C>T) has been reported in an individual with episodic ataxia, migraines, and additional neurologic symptoms (Choi KD et al. Sci Rep, 2017 Oct;7:13855). This amino acid position is highly conserved in available vertebrate species. In addition, this alteration is predicted to be deleterious by in silico analysis. Since supporting evidence is limited at this time, the clinical significance of this alteration remains unclear.

Genetics and Genomic Medicine Centre, NeuroGen Healthcare, NeuroGen Healthcare
Classification: Likely pathogenic. Last evaluated: 2021-12-05. Review status: no assertion criteria provided. Collection method: clinical testing. Allele origin: unknown. Affected: yes. Not counted in ClinVar's aggregate classification.

Literature cited by the submitters: PubMed 29062094 (cited by Ambry Genetics).

NM_000702.4(ATP1A2):c.587G>A (p.Arg196His)

Genes: ATP1A2 (ATPase Na+/K+ transporting subunit alpha 2; plus strand), LOC126805890 (CDK7 strongly-dependent group 2 enhancer GRCh37_chr1:160093987-160095186; plus strand). Cytogenetic location: 1q23.2.
Variant type: single nucleotide variant.
Coding change: c.587G>A on transcript NM_000702.4 (MANE Select); coding-DNA position 587, G replaced by A.
Protein change: p.Arg196His; replaces arginine 196 with histidine.
Molecular consequence: missense variant.
Genome position (GRCh38, 1-based): chr1:160,124,387, G>A. VCF-style: chr1-160124387-G-A. GRCh37 (hg19) VCF-style: chr1-160094177-G-A.
Other names: short protein forms R196H.
Identifiers: ClinVar variation 1750247 (VCV001750247.4), dbSNP rs1392328953, ClinGen allele CA343233916.